The following is an entry in ClinVar:

ClinVar aggregate classification (germline): Uncertain significance (1 of 4 stars; one submission).

Conditions:
Coffin-Siris syndrome 10. Also called: INTELLECTUAL DEVELOPMENTAL DISORDER WITH SPEECH DELAY AND DYSMORPHIC FACIES. Identifiers: MedGen C4760583, MONDO:0032791, OMIM 618506.

Submission:

3billion
Classification: Uncertain significance for Coffin-Siris syndrome 10. Last evaluated: 2024-10-18. Review status: criteria provided, single submitter. Criteria: ACMG Guidelines, 2015. Collection method: clinical testing. Allele origin: germline. Affected: yes.
Comment: The variant is observed at an extremely low frequency in the gnomAD v4.1.0 dataset (total allele frequency: <0.001%). Predicted Consequence/Location: Missense variant In silico tool predictions suggest damaging effect of the variant on gene or gene product [REVEL: 0.97 (>=0.6, sensitivity 0.68 and specificity 0.92); 3Cnet: 0.99 (>=0.6, sensitivity 0.72 and precision 0.9)]. Different missensechanges at the same codon have been reported as of uncertain significance (ClinVar ID: VCV003339130). Therefore, this variant is classified as VUS according to the recommendation of ACMG/AMP guideline.

NM_003107.3(SOX4):c.188T>C (p.Met63Thr)

Gene: SOX4 (SRY-box transcription factor 4; plus strand). Cytogenetic location: 6p22.3.
Variant type: single nucleotide variant.
Coding change: c.188T>C on transcript NM_003107.3 (MANE Select); coding-DNA position 188, T replaced by C.
Protein change: p.Met63Thr; replaces methionine 63 with threonine.
Molecular consequence: missense variant.
Genome position (GRCh38, 1-based): chr6:21,594,722, T>C. VCF-style: chr6-21594722-T-C. GRCh37 (hg19) VCF-style: chr6-21594953-T-C.
Other names: short protein forms M63T.
Identifiers: ClinVar variation 4292529 (VCV004292529.1).
Genomic context (GRCh38, chr6:21,594,722, plus strand): 5'-GCGGCAAGGCCGACGACCCGAGCTGGTGCAAGACCCCGAGTGGGCACATCAAGCGACCCA[T>C]GAACGCCTTCATGGTGTGGTCGCAGATCGAGCGGCGCAAGATCATGGAGCAGTCGCCCGA-3'
Protein context (NP_003098.1, residues 53-73): KTPSGHIKRP[Met63Thr]NAFMVWSQIE